The following is an entry in ClinVar:

NM_005559.4(LAMA1):c.7298C>T (p.Pro2433Leu)

Gene: LAMA1 (laminin subunit alpha 1; minus strand). Cytogenetic location: 18p11.31.
Variant type: single nucleotide variant.
Coding change: c.7298C>T on transcript NM_005559.4 (MANE Select); coding-DNA position 7298, C replaced by T.
Protein change: p.Pro2433Leu; replaces proline 2433 with leucine.
Molecular consequence: missense variant.
Genome position (GRCh38, 1-based): chr18:6,964,701, G>A on the plus strand (C>T on the coding strand, the complement: LAMA1 is on the minus strand). VCF-style: chr18-6964701-G-A. GRCh37 (hg19) VCF-style: chr18-6964700-G-A.
Other names: c.7298C>T (NM_005559.3); short protein forms P2433L.
Identifiers: ClinVar variation 1405445 (VCV001405445.8), dbSNP rs766759529, ClinGen allele CA8880948.

ClinVar aggregate classification (germline): Uncertain significance. Review status: criteria provided, multiple submitters, no conflicts (2 of 4 stars). 2 submissions from 2 submitters: Uncertain significance (2). Last evaluated 2023-10-10.

Conditions:
Inborn genetic diseases. Identifiers: MedGen C0950123, MeSH D030342.

Allele frequency attached by ClinVar (database versions not stated): gnomAD exomes 0.00001 and 0.00006; ExAC 0.00005; gnomAD 0.00005; TOPMed 0.00005.
gnomAD v4.1: 32 of 1,613,866 alleles (0.002%); highest among the groups gnomAD compares: East Asian, 0.02%; no homozygotes.

Submissions (2):

Ambry Genetics
Classification: Uncertain significance for Inborn genetic diseases. Last evaluated: 2023-10-10. Review status: criteria provided, single submitter. Criteria: Ambry Variant Classification Scheme 2023. Collection method: clinical testing. Allele origin: germline.

Labcorp Genetics (formerly Invitae), Labcorp
Classification: Uncertain significance. Last evaluated: 2022-05-27. Review status: criteria provided, single submitter. Criteria: Invitae Variant Classification Sherloc (09022015). Collection method: clinical testing. Allele origin: germline.
Comment: In summary, the available evidence is currently insufficient to determine the role of this variant in disease. Therefore, it has been classified as a Variant of Uncertain Significance. Algorithms developed to predict the effect of missense changes on protein structure and function output the following: SIFT: "Tolerated"; PolyPhen-2: "Possibly Damaging"; Align-GVGD: "Class C0". The leucine amino acid residue is found in multiple mammalian species, which suggests that this missense change does not adversely affect protein function. This variant has not been reported in the literature in individuals affected with LAMA1-related conditions. This variant is present in population databases (rs766759529, gnomAD 0.05%). This sequence change replaces proline, which is neutral and non-polar, with leucine, which is neutral and non-polar, at codon 2433 of the LAMA1 protein (p.Pro2433Leu).